The following is an entry in ClinVar:

ClinVar aggregate classification (germline): Uncertain significance. Review status: criteria provided, multiple submitters, no conflicts (2 of 4 stars). 2 submissions from 2 submitters: Uncertain significance (2). Last evaluated 2025-02-22.

Conditions:
Hereditary cancer-predisposing syndrome. Also called: Tumor predisposition; Hereditary Cancer Syndrome; Hereditary neoplastic syndrome; Neoplastic Syndromes, Hereditary. Identifiers: Orphanet 140162, MedGen C0027672, MeSH D009386, MONDO:0015356.
EGFR-related lung cancer (EGFR). Identifiers: MedGen CN130014.

Allele frequency attached by ClinVar (database versions not stated): TOPMed below 0.00001; gnomAD 0.00001.

Submissions (2):

Ambry Genetics
Classification: Uncertain significance for Hereditary cancer-predisposing syndrome. Last evaluated: 2025-02-22. Review status: criteria provided, single submitter. Criteria: Ambry Variant Classification Scheme 2023. Collection method: clinical testing. Allele origin: germline.
Comment: The p.M176V variant (also known as c.526A>G), located in coding exon 4 of the EGFR gene, results from an A to G substitution at nucleotide position 526. The methionine at codon 176 is replaced by valine, an amino acid with highly similar properties. This amino acid position is conserved. In addition, this alteration is predicted to be tolerated by in silico analysis. Based on the available evidence, the clinical significance of this variant remains unclear.

Labcorp Genetics (formerly Invitae), Labcorp
Classification: Uncertain significance for EGFR-related lung cancer. Last evaluated: 2022-01-03. Review status: criteria provided, single submitter. Criteria: Invitae Variant Classification Sherloc (09022015). Collection method: clinical testing. Allele origin: germline.
Comment: In summary, the available evidence is currently insufficient to determine the role of this variant in disease. Therefore, it has been classified as a Variant of Uncertain Significance. Algorithms developed to predict the effect of missense changes on protein structure and function output the following: SIFT: "Tolerated"; PolyPhen-2: "Benign"; Align-GVGD: "Class C0". The valine amino acid residue is found in multiple mammalian species, which suggests that this missense change does not adversely affect protein function. This variant has not been reported in the literature in individuals affected with EGFR-related conditions. This variant is not present in population databases (gnomAD no frequency). This sequence change replaces methionine, which is neutral and non-polar, with valine, which is neutral and non-polar, at codon 176 of the EGFR protein (p.Met176Val).

NM_005228.5(EGFR):c.526A>G (p.Met176Val)

Gene: EGFR (epidermal growth factor receptor; plus strand). Cytogenetic location: 7p11.2.
Variant type: single nucleotide variant.
Coding change: c.526A>G on transcript NM_005228.5 (MANE Select); coding-DNA position 526, A replaced by G.
Protein change: p.Met176Val; replaces methionine 176 with valine.
Molecular consequence: missense variant. On other transcripts: intron variant (3).
Genome position (GRCh38, 1-based): chr7:55,146,707, A>G. VCF-style: chr7-55146707-A-G. GRCh37 (hg19) VCF-style: chr7-55214400-A-G.
Other names: c.526A>G, p.Met176Val (NM_001346898.2, NM_201282.2, NM_201283.2 and 1 more transcripts); c.367A>G, p.Met123Val (NM_001346900.2); c.424+3219A>G (NM_001346899.2, NM_001346897.2); c.89-9123A>G (NM_001346941.2); short protein forms M123V, M176V.
Identifiers: ClinVar variation 1971088 (VCV001971088.6), dbSNP rs1794782490, ClinGen allele CA367576685.